The following is an entry in ClinVar:

ClinVar aggregate classification (germline): Uncertain significance. Review status: criteria provided, multiple submitters, no conflicts (2 of 4 stars). 4 submissions from 4 submitters: Uncertain significance (3). 1 of the submissions does not count toward it. Last evaluated 2025-09-28.

Conditions:
Hereditary cancer-predisposing syndrome. Also called: Hereditary Cancer Syndrome; Hereditary neoplastic syndrome; Neoplastic Syndromes, Hereditary; Tumor predisposition. Identifiers: Orphanet 140162, MedGen C0027672, MeSH D009386, MONDO:0015356.
Ataxia-telangiectasia syndrome (AT). Also called: Ataxia-telangiectasia, complementation group E; LOUIS-BAR SYNDROME; Cerebello-oculocutaneous telangiectasia; Immunodeficiency with ataxia telangiectasia; Ataxia-telangiectasia, complementation group D; AT, COMPLEMENTATION GROUP C. Identifiers: Orphanet 100, MedGen C0004135, MONDO:0008840, OMIM 208900.

Allele frequency attached by ClinVar (database versions not stated): gnomAD exomes below 0.00001.
gnomAD v4.1: 1 of 1,612,094 alleles (0.000062%); highest among the groups gnomAD compares: East Asian, 0.0022%; no homozygotes.

Submissions (4):

Labcorp Genetics (formerly Invitae), Labcorp
Classification: Uncertain significance for Ataxia-telangiectasia syndrome. Last evaluated: 2025-09-28. Review status: criteria provided, single submitter. Criteria: Invitae Variant Classification Sherloc (09022015). Collection method: clinical testing. Allele origin: germline.
Comment: This sequence change falls in intron 34 of the ATM gene. It does not directly change the encoded amino acid sequence of the ATM protein. It affects a nucleotide within the consensus splice site. This variant is not present in population databases (gnomAD no frequency). This variant has not been reported in the literature in individuals affected with ATM-related conditions. ClinVar contains an entry for this variant (Variation ID: 924080). Variants that disrupt the consensus splice site are a relatively common cause of aberrant splicing (PMID: 17576681, 9536098). Algorithms developed to predict the effect of sequence changes on RNA splicing suggest that this variant may disrupt the consensus splice site. In summary, the available evidence is currently insufficient to determine the role of this variant in disease. Therefore, it has been classified as a Variant of Uncertain Significance.

Ambry Genetics
Classification: Uncertain significance for Hereditary cancer-predisposing syndrome. Last evaluated: 2024-10-30. Review status: criteria provided, single submitter. Criteria: Ambry Variant Classification Scheme 2023. Collection method: clinical testing. Allele origin: germline.
Comment: The c.5177+4A>C intronic variant results from an A to C substitution 4 nucleotides after coding exon 33 in the ATM gene. This nucleotide position is highly conserved in available vertebrate species. In silico splice site analysis for this alteration is inconclusive. Based on the available evidence, the clinical significance of this variant remains unclear.

Color Diagnostics, LLC DBA Color Health
Classification: Uncertain significance for Hereditary cancer-predisposing syndrome. Last evaluated: 2020-04-06. Review status: criteria provided, single submitter. Criteria: ACMG Guidelines, 2015. Collection method: clinical testing. Allele origin: germline.
Comment: This variant causes an A to C nucleotide substitution at the +4 position of intron 34 of the ATM gene. To our knowledge, RNA functional studies have not been reported for this variant. This variant has not been reported in individuals affected with hereditary cancer in the literature. This variant has not been identified in the general population by the Genome Aggregation Database (gnomAD). The available evidence is insufficient to determine the role of this variant in disease conclusively. Therefore, this variant is classified as a Variant of Uncertain Significance.

Natera, Inc.
Classification: Uncertain significance for Ataxia-telangiectasia. Last evaluated: 2020-12-28. Review status: no assertion criteria provided. Collection method: clinical testing. Allele origin: germline. Not counted in ClinVar's aggregate classification.

Literature cited by the submitters: PubMed 17576681 (cited by Labcorp Genetics (formerly Invitae), Labcorp); PubMed 9536098 (cited by Labcorp Genetics (formerly Invitae), Labcorp).

NM_000051.4(ATM):c.5177+4A>C

Gene: ATM (ATM serine/threonine kinase; plus strand). Cytogenetic location: 11q22.3.
Variant type: single nucleotide variant.
Coding change: c.5177+4A>C on transcript NM_000051.4 (MANE Select); 4 bases into the intron after coding-DNA position 5177, A replaced by C.
Molecular consequence: intron variant.
Genome position (GRCh38, 1-based): chr11:108,299,889, A>C. VCF-style: chr11-108299889-A-C. GRCh37 (hg19) VCF-style: chr11-108170616-A-C.
Other names: c.5177+4A>C (NM_001351834.2).
Identifiers: ClinVar variation 924080 (VCV000924080.17), dbSNP rs2083338902, ClinGen allele CA1139662315.